The following is an entry in ClinVar:

ClinVar aggregate classification (germline): Benign (1 of 4 stars; one submission).

Conditions:
Melanoma-pancreatic cancer syndrome. Identifiers: Orphanet 404560, MedGen C1838547, MONDO:0011713, OMIM 606719. Disease mechanism: loss of function.

Submission:

Myriad Genetics, Inc.
Classification: Benign for Melanoma-pancreatic cancer syndrome. Last evaluated: 2025-08-13. Review status: criteria provided, single submitter. Criteria: Myriad Autosomal Dominant, Autosomal Recessive and X-Linked Classification Criteria (2023). Collection method: clinical testing. Allele origin: unknown.
Comment: This variant is considered benign. This variant is a silent/synonymous amino acid change and it is not expected to impact splicing.

NM_000077.5(CDKN2A):c.21C>T (p.Ser7=)

Gene: CDKN2A (cyclin dependent kinase inhibitor 2A; minus strand). Cytogenetic location: 9p21.3.
Variant type: single nucleotide variant.
Coding change: c.21C>T on transcript NM_000077.5; coding-DNA position 21, C replaced by T.
Protein change: p.Ser7=; no amino-acid change (serine 7 retained).
Molecular consequence: synonymous variant (on NM_000077.6). On other transcripts: intron variant (2).
Genome position (GRCh38, 1-based): chr9:21,974,807, G>A on the plus strand (C>T on the coding strand, the complement: CDKN2A is on the minus strand). VCF-style: chr9-21974807-G-A. GRCh37 (hg19) VCF-style: chr9-21974806-G-A.
Other names: c.21C>T, p.Ser7= (NM_000077.6, NM_001195132.2, NM_058197.5); c.-3-3599C>T (NM_001363763.2); c.194-3599C>T (NM_058195.4).
Identifiers: ClinVar variation 4294171 (VCV004294171.1).